The following is an entry in ClinVar:

ClinVar aggregate classification (germline): Uncertain significance (1 of 4 stars; one submission).

Conditions:
Inborn genetic diseases. Identifiers: MedGen C0950123, MeSH D030342.

Submission:

Ambry Genetics
Classification: Uncertain significance for Inborn genetic diseases. Last evaluated: 2025-08-25. Review status: criteria provided, single submitter. Criteria: Ambry Variant Classification Scheme 2023. Collection method: clinical testing. Allele origin: germline.
Comment: The p.K644R variant (also known as c.1931A>G), located in coding exon 1 of the SAMD9 gene, results from an A to G substitution at nucleotide position 1931. The lysine at codon 644 is replaced by arginine, an amino acid with highly similar properties. This amino acid position is conserved. In addition, this alteration is predicted to be tolerated by in silico analysis. Based on the available evidence, the clinical significance of this variant remains unclear.

NM_017654.4(SAMD9):c.1931A>G (p.Lys644Arg)

Gene: SAMD9 (sterile alpha motif domain containing 9; minus strand). Cytogenetic location: 7q21.2.
Variant type: single nucleotide variant.
Coding change: c.1931A>G on transcript NM_017654.4 (MANE Select); coding-DNA position 1931, A replaced by G.
Protein change: p.Lys644Arg; replaces lysine 644 with arginine.
Molecular consequence: missense variant.
Genome position (GRCh38, 1-based): chr7:93,104,167, T>C on the plus strand (A>G on the coding strand, the complement: SAMD9 is on the minus strand). VCF-style: chr7-93104167-T-C. GRCh37 (hg19) VCF-style: chr7-92733480-T-C.
Other names: c.1931A>G, p.Lys644Arg (NM_001193307.2); short protein forms K644R.
Identifiers: ClinVar variation 4159183 (VCV004159183.1).